The following is an entry in ClinVar:

NM_001127898.4(CLCN5):c.2260G>C (p.Asp754His)

Genes: CLCN5 (Cl-/H+ antiporter 5; plus strand), LOC126863258 (BRD4-independent group 4 enhancer GRCh37_chrX:49854497-49855696; plus strand). Cytogenetic location: Xp11.23.
Variant type: single nucleotide variant.
Coding change: c.2260G>C on transcript NM_001127898.4 (MANE Select); coding-DNA position 2260, G replaced by C.
Protein change: p.Asp754His; replaces aspartic acid 754 with histidine.
Molecular consequence: missense variant. On other transcripts: non-coding transcript variant (1).
Genome position (GRCh38, 1-based): chrX:50,090,786, G>C. VCF-style: chrX-50090786-G-C. GRCh37 (hg19) VCF-style: chrX-49855443-G-C.
Other names: c.2050G>C, p.Asp684His (NM_000084.5); c.2260G>C, p.Asp754His (NM_001127899.4); c.2110G>C, p.Asp704His (NM_001282163.2); c.2272G>C, p.Asp758His (NM_001440756.1, NM_001440757.1); short protein forms D684H, D704H, D754H, D758H.
Identifiers: ClinVar variation 4975517 (VCV004975517.1).
Genomic context (GRCh38, chrX:50,090,786, plus strand): 5'-GAGCATTCTCCTCCATTGCCACCATACACTCCACCCACTCTAAAGCTTCGGAACATCCTC[G>C]ATCTCAGCCCCTTCACTGTGACTGACCTTACACCCATGGAGATCGTAGTGGATATTTTCC-3'
Protein context (NP_001121370.1, residues 744-764): PPTLKLRNIL[Asp754His]LSPFTVTDLT

ClinVar aggregate classification (germline): Uncertain significance (1 of 4 stars; one submission).

Submission:

GeneDx
Classification: Uncertain significance. Last evaluated: 2026-01-22. Review status: criteria provided, single submitter. Criteria: GeneDx Variant Classification Process June 2021. Collection method: clinical testing. Allele origin: germline.
Comment: Not observed at significant frequency in large population cohorts (gnomAD); Missense variants in this gene are a common cause of disease and they are underrepresented in the general population; In silico analysis supports that this missense variant has a deleterious effect on protein structure/function; Has not been previously published as pathogenic or benign to our knowledge